The following is an entry in ClinVar:

NM_000455.5(STK11):c.837C>T (p.Gly279=)

Gene: STK11 (serine/threonine kinase 11; plus strand). Cytogenetic location: 19p13.3.
Variant type: single nucleotide variant.
Coding change: c.837C>T on transcript NM_000455.5 (MANE Select); coding-DNA position 837, C replaced by T.
Protein change: p.Gly279=; no amino-acid change (glycine 279 retained).
Molecular consequence: synonymous variant.
Genome position (GRCh38, 1-based): chr19:1,221,315, C>T. VCF-style: chr19-1221315-C-T. GRCh37 (hg19) VCF-style: chr19-1221314-C-T.
Identifiers: ClinVar variation 378677 (VCV000378677.22), dbSNP rs373021819, ClinGen allele CA16608837.

ClinVar aggregate classification (germline): Benign/Likely benign. Review status: criteria provided, multiple submitters, no conflicts (2 of 4 stars). 9 submissions from 9 submitters: Benign (2); Likely benign (7). Last evaluated 2026-01-14.

Conditions:
Hereditary cancer-predisposing syndrome. Also called: Hereditary neoplastic syndrome; Tumor predisposition; Neoplastic Syndromes, Hereditary; Hereditary Cancer Syndrome. Identifiers: Orphanet 140162, MedGen C0027672, MeSH D009386, MONDO:0015356.
Peutz-Jeghers syndrome (PJS). Also called: Peutz-Jeghers polyposis; Periorificial lentiginosis syndrome; POLYPOSIS, HAMARTOMATOUS INTESTINAL; POLYPS-AND-SPOTS SYNDROME. Identifiers: Orphanet 2869, MedGen C0031269, MeSH D010580, MONDO:0008280, OMIM 175200.

Allele frequency attached by ClinVar (database versions not stated): TOPMed below 0.00001; gnomAD exomes 0.00001; ESP Exome Variant Server 0.00008.
gnomAD v4.1: 3 of 1,609,736 alleles (0.00019%); highest among the groups gnomAD compares: East Asian, 0.0045%; no homozygotes.

Submissions (9):

Women's Health and Genetics/Laboratory Corporation of America, LabCorp
Classification: Likely benign. Last evaluated: 2026-01-14. Review status: criteria provided, single submitter. Criteria: LabCorp Variant Classification Summary - May 2015. Collection method: clinical testing. Allele origin: germline.

Myriad Genetics, Inc.
Classification: Benign for Peutz-Jeghers syndrome. Last evaluated: 2025-03-27. Review status: criteria provided, single submitter. Criteria: Myriad Autosomal Dominant, Autosomal Recessive and X-Linked Classification Criteria (2023). Collection method: clinical testing. Allele origin: unknown.
Comment: This variant is considered benign. This variant is a silent/synonymous amino acid change and it is not expected to impact splicing.

Labcorp Genetics (formerly Invitae), Labcorp
Classification: Likely benign for Peutz-Jeghers syndrome. Last evaluated: 2025-03-18. Review status: criteria provided, single submitter. Criteria: Invitae Variant Classification Sherloc (09022015). Collection method: clinical testing. Allele origin: germline.

All of Us Research Program, National Institutes of Health
Classification: Likely benign for Peutz-Jeghers syndrome. Last evaluated: 2023-06-26. Review status: criteria provided, single submitter. Criteria: ACMG Guidelines, 2015. Collection method: clinical testing. Allele origin: germline. Inheritance: Autosomal dominant inheritance. Observed: 4 variant alleles, 4 heterozygotes.
Comment: This study involves interpretation of variants in research participants for the purpose of population health screening. Participant phenotype was not available at the time of variant classification. Additional details can be found in publication PMID: 35346344, PMCID: PMC8962531

Genome-Nilou Lab
Classification: Likely benign for Peutz-Jeghers syndrome. Last evaluated: 2021-07-15. Review status: criteria provided, single submitter. Criteria: ACMG Guidelines, 2015. Collection method: clinical testing. Allele origin: germline. Affected: no.

Sema4
Classification: Likely benign for Hereditary cancer-predisposing syndrome. Last evaluated: 2020-10-21. Review status: criteria provided, single submitter. Criteria: Sema4 Curation Guidelines. Collection method: curation. Allele origin: germline.

Ambry Genetics
Classification: Likely benign for Hereditary cancer-predisposing syndrome. Last evaluated: 2019-09-25. Review status: criteria provided, single submitter. Criteria: Ambry Variant Classification Scheme 2023. Collection method: clinical testing. Allele origin: germline.

Color Diagnostics, LLC DBA Color Health
Classification: Likely benign for Hereditary cancer-predisposing syndrome. Last evaluated: 2016-02-25. Review status: criteria provided, single submitter. Criteria: ACMG Guidelines, 2015. Collection method: clinical testing. Allele origin: germline.

GeneDx
Classification: Benign. Last evaluated: 2015-09-21. Review status: criteria provided, single submitter. Criteria: GeneDx Variant Classification (06012015). Collection method: clinical testing. Allele origin: germline. Affected: yes.
Comment: This variant is considered likely benign or benign based on one or more of the following criteria: it is a conservative change, it occurs at a poorly conserved position in the protein, it is predicted to be benign by multiple in silico algorithms, and/or has population frequency not consistent with disease.